The following is an entry in ClinVar:

NM_170682.4(P2RX2):c.1332T>A (p.Pro444=)

Gene: P2RX2 (purinergic receptor P2X 2; plus strand). Cytogenetic location: 12q24.33.
Variant type: single nucleotide variant.
Coding change: c.1332T>A on transcript NM_170682.4 (MANE Select); coding-DNA position 1332, T replaced by A.
Protein change: p.Pro444=; no amino-acid change (proline 444 retained).
Molecular consequence: synonymous variant. On other transcripts: 3 prime UTR variant (1), intron variant (2).
Genome position (GRCh38, 1-based): chr12:132,621,888, T>A. VCF-style: chr12-132621888-T-A. GRCh37 (hg19) VCF-style: chr12-133198474-T-A.
Other names: c.*379T>A (NM_001282165.2); c.1116T>A, p.Pro372= (NM_012226.5); c.1260T>A, p.Pro420= (NM_016318.4); c.1410T>A, p.Pro470= (NM_170683.4); c.1056T>A, p.Pro352= (NM_174872.3); c.1141-10T>A (NM_174873.3); c.1039-10T>A (NM_001282164.2).
Identifiers: ClinVar variation 226981 (VCV000226981.18), dbSNP rs116834114, ClinGen allele CA6891897.

ClinVar aggregate classification (germline): Benign/Likely benign. Review status: criteria provided, multiple submitters, no conflicts (2 of 4 stars). 5 submissions from 5 submitters: Benign (4); Likely benign (1). Last evaluated 2026-01-14.

Allele frequency attached by ClinVar (database versions not stated): gnomAD exomes 0.00028 and 0.00073; ExAC 0.00089; 1000 Genomes Project 0.00260; gnomAD 0.00274 and 0.00302; TOPMed 0.00327; ESP Exome Variant Server 0.00615.

Submissions (10):

Labcorp Genetics (formerly Invitae), Labcorp
Classification: Benign. Last evaluated: 2026-01-14. Review status: criteria provided, single submitter. Criteria: Invitae Variant Classification Sherloc (09022015). Collection method: clinical testing. Allele origin: germline.

Blueprint Genetics
Classification: Likely benign. Last evaluated: 2024-11-26. Review status: criteria provided, single submitter. Criteria: ACMG Guidelines, 2015. Collection method: clinical testing. Allele origin: germline.

GeneDx
Classification: Benign. Last evaluated: 2019-01-09. Review status: criteria provided, single submitter. Criteria: GeneDx Variant Classification Process June 2021. Collection method: clinical testing. Allele origin: germline. Affected: yes.

Laboratory for Molecular Medicine, Mass General Brigham Personalized Medicine
Classification: Benign. Last evaluated: 2014-11-24. Review status: criteria provided, single submitter. Criteria: LMM Criteria. Collection method: clinical testing. Allele origin: germline. Observed: 2 variant alleles.
Comment: Pro470Pro in exon 10B of P2RX2: This variant is not expected to have clinical si gnificance because it does not alter an amino acid residue and is not located wi thin the splice consensus sequence. It has been identified in 1.8% (80/4404) of African American chromosomes from a broad population by the NHLBI Exome Sequenci ng Project (dbSNP rs116834114).

Breakthrough Genomics
Classification: Benign. Review status: criteria provided, single submitter. Criteria: ACMG Guidelines, 2015. Collection method: not provided. Allele origin: germline. Inheritance: Autosomal dominant inheritance. Affected: yes.

Dr. Peter K. Rogan Lab, Western University
No classification provided (evidence only). Condition: Lung cancer. Review status: no classification provided. Collection method: in vitro. Allele origin: not applicable. Functional consequence: retained intron. Not counted in ClinVar's aggregate classification.

Dr. Peter K. Rogan Lab, Western University
No classification provided (evidence only). Condition: Lung cancer. Review status: no classification provided. Collection method: in vitro. Allele origin: not applicable. Functional consequence: retained intron. Not counted in ClinVar's aggregate classification.

Dr. Peter K. Rogan Lab, Western University
No classification provided (evidence only). Condition: Uterine corpus endometrial carcinoma. Review status: no classification provided. Collection method: in vitro. Allele origin: not applicable. Functional consequence: retained intron. Not counted in ClinVar's aggregate classification.

Dr. Peter K. Rogan Lab, Western University
No classification provided (evidence only). Condition: Cervical cancer. Review status: no classification provided. Collection method: in vitro. Allele origin: not applicable. Functional consequence: retained intron. Not counted in ClinVar's aggregate classification.

Dr. Peter K. Rogan Lab, Western University
No classification provided (evidence only). Condition: Sarcoma. Review status: no classification provided. Collection method: in vitro. Allele origin: not applicable. Functional consequence: retained intron. Not counted in ClinVar's aggregate classification.